The following is an entry in ClinVar:

ClinVar aggregate classification (germline): Uncertain significance (1 of 4 stars; one submission).

Submission:

CeGaT Center for Human Genetics Tuebingen
Classification: Uncertain significance. Last evaluated: 2025-04-01. Review status: criteria provided, single submitter. Criteria: CeGaT Center For Human Genetics Tuebingen Variant Classification Criteria Version 2. Collection method: clinical testing. Allele origin: germline. Affected: yes. Observed: 1 variant allele.
Comment: AKT3: PM2, PP2

NM_005465.7(AKT3):c.433A>G (p.Met145Val)

Gene: AKT3 (AKT serine/threonine kinase 3; minus strand). Cytogenetic location: 1q44.
Variant type: single nucleotide variant.
Coding change: c.433A>G on transcript NM_005465.7 (MANE Select); coding-DNA position 433, A replaced by G.
Protein change: p.Met145Val; replaces methionine 145 with valine.
Molecular consequence: missense variant.
Genome position (GRCh38, 1-based): chr1:243,637,739, T>C on the plus strand (A>G on the coding strand, the complement: AKT3 is on the minus strand). VCF-style: chr1-243637739-T-C. GRCh37 (hg19) VCF-style: chr1-243801041-T-C.
Other names: c.433A>G, p.Met145Val (NM_001206729.2, NM_001370074.1, NM_181690.2); short protein forms M145V.
Identifiers: ClinVar variation 3898280 (VCV003898280.7).